The following is an entry in ClinVar:

NM_001159773.2(CANT1):c.33G>A (p.Trp11Ter)

Gene: CANT1 (calcium activated nucleotidase 1; minus strand). Cytogenetic location: 17q25.3.
Variant type: single nucleotide variant.
Coding change: c.33G>A on transcript NM_001159773.2 (MANE Select); coding-DNA position 33, G replaced by A.
Protein change: p.Trp11Ter; replaces tryptophan 11 with a stop codon.
Molecular consequence: nonsense.
Genome position (GRCh38, 1-based): chr17:78,997,590, C>T on the plus strand (G>A on the coding strand, the complement: CANT1 is on the minus strand). VCF-style: chr17-78997590-C-T. GRCh37 (hg19) VCF-style: chr17-76993672-C-T.
Other names: c.33G>A, p.Trp11Ter (NM_001159772.2, NM_138793.4); short protein forms W11*.
Identifiers: ClinVar variation 2821536 (VCV002821536.3), dbSNP rs2509813279, ClinGen allele CA401309578.

ClinVar aggregate classification (germline): Pathogenic (1 of 4 stars; one submission).

Submission:

Labcorp Genetics (formerly Invitae), Labcorp
Classification: Pathogenic. Last evaluated: 2023-07-13. Review status: criteria provided, single submitter. Criteria: Invitae Variant Classification Sherloc (09022015). Collection method: clinical testing. Allele origin: germline.
Comment: For these reasons, this variant has been classified as Pathogenic. This variant has not been reported in the literature in individuals affected with CANT1-related conditions. This variant is not present in population databases (gnomAD no frequency). This sequence change creates a premature translational stop signal (p.Trp11*) in the CANT1 gene. It is expected to result in an absent or disrupted protein product. Loss-of-function variants in CANT1 are known to be pathogenic (PMID: 19853239, 21037275, 22539336).

Literature cited by the submitters: PubMed 19853239; PubMed 21037275; PubMed 22539336.